The following is an entry in ClinVar:

ClinVar aggregate classification (germline): Uncertain significance. Review status: criteria provided, multiple submitters, no conflicts (2 of 4 stars). 3 submissions from 3 submitters: Uncertain significance (3). Last evaluated 2025-12-22.

Conditions:
LZTS1-related disorder. Also called: LZTS1-related condition.

gnomAD v4.1: 57 of 1,614,042 alleles (0.0035%); highest among the groups gnomAD compares: Middle Eastern, 0.033%; no homozygotes.

Submissions (3):

Labcorp Genetics (formerly Invitae), Labcorp
Classification: Uncertain significance. Last evaluated: 2025-12-22. Review status: criteria provided, single submitter. Criteria: Invitae Variant Classification Sherloc (09022015). Collection method: clinical testing. Allele origin: germline.
Comment: This sequence change replaces alanine, which is neutral and non-polar, with proline, which is neutral and non-polar, at codon 568 of the LZTS1 protein (p.Ala568Pro). This variant is present in population databases (rs764158167, gnomAD 0.08%), and has an allele count higher than expected for a pathogenic variant. This variant has not been reported in the literature in individuals affected with LZTS1-related conditions. ClinVar contains an entry for this variant (Variation ID: 2177992). Invitae Evidence Modeling of protein sequence and biophysical properties (such as structural, functional, and spatial information, amino acid conservation, physicochemical variation, residue mobility, and thermodynamic stability) has been performed for this missense variant. However, the output from this modeling did not meet the statistical confidence thresholds required to predict the impact of this variant on LZTS1 protein function. In summary, the available evidence is currently insufficient to determine the role of this variant in disease. Therefore, it has been classified as a Variant of Uncertain Significance.

PreventionGenetics, part of Exact Sciences
Classification: Uncertain significance for LZTS1-related condition. Last evaluated: 2025-08-27. Review status: criteria provided, single submitter. Criteria: ACMG Guidelines, 2015. Collection method: clinical testing. Allele origin: germline.
Comment: The LZTS1 c.1702G>C variant is predicted to result in the amino acid substitution p.Ala568Pro. To our knowledge, this variant has not been reported in the literature. This variant is reported in 0.058% of alleles in individuals of Ashkenazi Jewish descent in gnomAD. At this time, the clinical significance of this variant is uncertain due to the absence of conclusive functional and genetic evidence.

Ambry Genetics
Classification: Uncertain significance. Last evaluated: 2025-01-23. Review status: criteria provided, single submitter. Criteria: Ambry Variant Classification Scheme 2023. Collection method: clinical testing. Allele origin: germline.

NM_021020.5(LZTS1):c.1702G>C (p.Ala568Pro)

Gene: LZTS1 (leucine zipper tumor suppressor 1; minus strand). Cytogenetic location: 8p21.3.
Variant type: single nucleotide variant.
Coding change: c.1702G>C on transcript NM_021020.5 (MANE Select); coding-DNA position 1702, G replaced by C.
Protein change: p.Ala568Pro; replaces alanine 568 with proline.
Molecular consequence: missense variant.
Genome position (GRCh38, 1-based): chr8:20,249,811, C>G on the plus strand (G>C on the coding strand, the complement: LZTS1 is on the minus strand). VCF-style: chr8-20249811-C-G. GRCh37 (hg19) VCF-style: chr8-20107322-C-G.
Other names: c.1702G>C, p.Ala568Pro (NM_001362884.2); c.1702G>C (NM_021020.2, NM_021020.3); short protein forms A568P.
Identifiers: ClinVar variation 2177992 (VCV002177992.6), dbSNP rs764158167, ClinGen allele CA4657209.